The following is an entry in ClinVar:

ClinVar aggregate classification (germline): Uncertain significance. Review status: criteria provided, single submitter (1 of 4 stars). 3 submissions from 3 submitters: Uncertain significance (1). 2 of the submissions do not count toward it. Last evaluated 2025-11-06.

Conditions:
ALG6-congenital disorder of glycosylation 1C (CDG1C). Also called: Congenital disorder of glycosylation, type Ic; CARBOHYDRATE-DEFICIENT GLYCOPROTEIN SYNDROME, TYPE I, WITH DEFICIENT GLYCOSYLATION OF DOLICHOL-LINKED OLIGOSACCHARIDE; CARBOHYDRATE-DEFICIENT GLYCOPROTEIN SYNDROME, TYPE V; Congenital disorder of glycosylation type 1C; CDG Ic. Identifiers: Orphanet 79320, MedGen C2930997, MONDO:0011291, OMIM 603147.

Submissions (3):

Myriad Genetics, Inc.
Classification: Uncertain significance for ALG6-congenital disorder of glycosylation 1C. Last evaluated: 2025-11-06. Review status: criteria provided, single submitter. Criteria: Myriad Autosomal Dominant, Autosomal Recessive and X-Linked Classification Criteria (2023). Collection method: clinical testing. Allele origin: unknown.
Comment: NM_013339.3(ALG6):c.988G>T(V330F) is a missense variant classified as a variant of uncertain significance in the context of congenital disorder of glycosylation, ALG6-related. V330F has been observed in a case with relevant disease (PMID: 27959697, 28973083). Relevant functional assessments of this variant are not available in the literature. V330F has not been observed in referenced population frequency databases. In summary, there is insufficient evidence to classify NM_013339.3(ALG6):c.988G>T(V330F) as pathogenic or benign. Please note: this variant was assessed in the context of healthy population screening.

Counsyl
Classification: Uncertain significance for ALG6-congenital disorder of glycosylation 1C. Last evaluated: 2017-09-06. Review status: no assertion criteria provided. Collection method: clinical testing. Allele origin: unknown. Not counted in ClinVar's aggregate classification.

Baylor Genetics
Classification: Uncertain significance for ALG6-congenital disorder of glycosylation 1C. Last evaluated: 2016-05-01. Review status: no assertion criteria provided. Collection method: clinical testing. Allele origin: maternal, germline. Inheritance: Autosomal recessive inheritance. Affected: yes. Not counted in ClinVar's aggregate classification.

Literature cited by the submitters: PubMed 27959697 (cited by Myriad Genetics, Inc. and Counsyl); PubMed 28973083 (cited by Myriad Genetics, Inc.).

NM_013339.4(ALG6):c.988G>T (p.Val330Phe)

Gene: ALG6 (ALG6 alpha-1,3-glucosyltransferase; plus strand). Cytogenetic location: 1p31.3.
Variant type: single nucleotide variant.
Coding change: c.988G>T on transcript NM_013339.4 (MANE Select); coding-DNA position 988, G replaced by T.
Protein change: p.Val330Phe; replaces valine 330 with phenylalanine.
Molecular consequence: missense variant.
Genome position (GRCh38, 1-based): chr1:63,419,370, G>T. VCF-style: chr1-63419370-G-T. GRCh37 (hg19) VCF-style: chr1-63885041-G-T.
Other names: c.988G>T, p.Val330Phe (LRG_1260t1); short protein forms V330F.
Identifiers: ClinVar variation 374388 (VCV000374388.3), dbSNP rs1057518724, ClinGen allele CA16043644.